The following is an entry in ClinVar:

NM_001267550.2(TTN):c.103615C>A (p.Pro34539Thr)

Genes: TTN (titin; minus strand), TTN-AS1 (TTN antisense RNA 1; plus strand). Cytogenetic location: 2q31.2.
Variant type: single nucleotide variant.
Coding change: c.103615C>A on transcript NM_001267550.2 (MANE Select); coding-DNA position 103615, C replaced by A.
Protein change: p.Pro34539Thr; replaces proline 34539 with threonine.
Molecular consequence: missense variant.
Genome position (GRCh38, 1-based): chr2:178,533,000, G>T on the plus strand (C>A on the coding strand, the complement: TTN is on the minus strand). VCF-style: chr2-178533000-G-T. GRCh37 (hg19) VCF-style: chr2-179397727-G-T.
Other names: c.98692C>A, p.Pro32898Thr (NM_001256850.1); c.76420C>A, p.Pro25474Thr (NM_003319.4); c.95911C>A, p.Pro31971Thr (NM_133378.4); c.76795C>A, p.Pro25599Thr (NM_133432.3); c.76996C>A, p.Pro25666Thr (NM_133437.4); short protein forms P32898T, P25474T, P25599T, P31971T, P25666T, P34539T.
Identifiers: ClinVar variation 1759947 (VCV001759947.2), dbSNP rs1689857236, ClinGen allele CA349413891.

ClinVar aggregate classification (germline): Uncertain significance (1 of 4 stars; one submission).

Conditions:
Cardiovascular phenotype. Identifiers: MedGen CN230736.

Allele frequency attached by ClinVar (database versions not stated): TOPMed below 0.00001; gnomAD 0.00001.
gnomAD v4.1: 1 of 1,613,736 alleles (0.000062%); highest among the groups gnomAD compares: Non-Finnish European, 0.000085%; no homozygotes.

Submission:

Ambry Genetics
Classification: Uncertain significance for Cardiovascular phenotype. Last evaluated: 2019-12-06. Review status: criteria provided, single submitter. Criteria: Ambry Variant Classification Scheme 2023. Collection method: clinical testing. Allele origin: germline.
Comment: The p.P25474T variant (also known as c.76420C>A), located in coding exon 185 of the TTN gene, results from a C to A substitution at nucleotide position 76420. The proline at codon 25474 is replaced by threonine, an amino acid with highly similar properties. This amino acid position is highly conserved in available vertebrate species. In addition, the in silico prediction for this alteration is inconclusive. Since supporting evidence is limited at this time, the clinical significance of this alteration remains unclear.